The following is an entry in ClinVar:

ClinVar aggregate classification (germline): Pathogenic. Review status: reviewed by expert panel (3 of 4 stars). 13 submissions from 13 submitters: Pathogenic (1). 12 of the submissions do not count toward it. Last evaluated 2016-09-08.

Conditions:
Autosomal dominant BRCA2-related cancer types.
Hereditary cancer-predisposing syndrome. Also called: Tumor predisposition; Hereditary Cancer Syndrome; Neoplastic Syndromes, Hereditary; Hereditary neoplastic syndrome. Identifiers: Orphanet 140162, MedGen C0027672, MeSH D009386, MONDO:0015356.
Hereditary breast ovarian cancer syndrome. Also called: Hereditary breast and/or ovarian cancer syndrome; Hereditary breast and ovarian cancer; Hereditary breast and ovarian cancer syndrome (HBOC); Hereditary breast and ovarian cancer syndrome; Breast and ovarian cancer; BRCA1- and BRCA2-Associated Hereditary Breast and Ovarian Cancer. Identifiers: Orphanet 145, MedGen C0677776, MeSH D061325, MONDO:0003582. Disease mechanism: loss of function.
Breast-ovarian cancer, familial, susceptibility to, 2 (BROVCA2). Also called: BRCA2 Hereditary Breast and Ovarian Cancer. Identifiers: Orphanet 145, MedGen C2675520, MONDO:0012933, OMIM 612555. Disease mechanism: loss of function.

Submissions (13):

Evidence-based Network for the Interpretation of Germline Mutant Alleles (ENIGMA)
Classification: Pathogenic for Breast-ovarian cancer, familial, susceptibility to, 2. Last evaluated: 2016-09-08. Review status: reviewed by expert panel. Criteria: ENIGMA BRCA1/2 Classification Criteria (2015). Collection method: curation. Allele origin: germline.
Comment: Variant allele predicted to encode a truncated non-functional protein.

Labcorp Genetics (formerly Invitae), Labcorp
Classification: Pathogenic for Hereditary breast ovarian cancer syndrome. Last evaluated: 2026-01-31. Review status: criteria provided, single submitter. Criteria: Invitae Variant Classification Sherloc (09022015). Collection method: clinical testing. Allele origin: germline. Not counted in ClinVar's aggregate classification.
Comment: This sequence change creates a premature translational stop signal (p.Gln3050*) in the BRCA2 gene. It is expected to result in an absent or disrupted protein product. Loss-of-function variants in BRCA2 are known to be pathogenic (PMID: 20104584). This variant is not present in population databases (gnomAD no frequency). This variant has not been reported in the literature in individuals affected with BRCA2-related conditions. ClinVar contains an entry for this variant (Variation ID: 52762). For these reasons, this variant has been classified as Pathogenic.

Women's Health and Genetics/Laboratory Corporation of America, LabCorp
Classification: Pathogenic for Hereditary breast ovarian cancer syndrome. Last evaluated: 2026-01-05. Review status: criteria provided, single submitter. Criteria: LabCorp Variant Classification Summary - May 2015. Collection method: clinical testing. Allele origin: germline. Not counted in ClinVar's aggregate classification.
Comment: Variant summary: BRCA2 c.9148C>T (p.Gln3050X) results in a premature termination codon, predicted to cause absence of the protein due to nonsense mediated decay, which is a commonly known mechanism for disease. The variant was absent in 251156 control chromosomes (gnomAD). c.9148C>T has been observed in individuals affected with Hereditary Breast And Ovarian Cancer Syndrome (e.g. Liu_2021). The following publication has been ascertained in the context of this evaluation (PMID: 33461583). ClinVar contains an entry for this variant (Variation ID: 52762). Based on the evidence outlined above, the variant was classified as pathogenic.

Variantyx, Inc.
Classification: Pathogenic for Autosomal dominant BRCA2-related cancer types. Last evaluated: 2025-09-17. Review status: criteria provided, single submitter. Criteria: Variantyx Assertion Criteria 2022. Collection method: clinical testing. Allele origin: germline. Inheritance: Autosomal dominant inheritance. Affected: yes. Not counted in ClinVar's aggregate classification.
Comment: This is a nonsense variant in the BRCA2 gene (OMIM: 600185). Pathogenic variants in this gene have been associated with autosomal dominant susceptibility to BRCA2-related cancer types. This variant introduces a premature termination codon in exon 24 out of 27 and is expected to result in loss of function, which is a known disease mechanism for BRCA2 in this disorder (PVS1). This variant has been reported in several unrelated affected individuals with breast or ovarianc cancer (PMID: 28873162, 32438681, 33461583) and pancreatic cancer (PMID: 2950612)8 (PS4), while it is absent from control populations (PM2). Based on the current evidence, this variant is classified as pathogenic for autosomal dominant susceptibility BRCA2-related cancer types.

Ambry Genetics
Classification: Pathogenic for Hereditary cancer-predisposing syndrome. Last evaluated: 2024-01-10. Review status: criteria provided, single submitter. Criteria: Ambry Variant Classification Scheme 2023. Collection method: clinical testing. Allele origin: germline. Not counted in ClinVar's aggregate classification.
Comment: The p.Q3050* pathogenic mutation (also known as c.9148C>T), located in coding exon 23 of the BRCA2 gene, results from a C to T substitution at nucleotide position 9148. This changes the amino acid from a glutamine to a stop codon within coding exon 23. This alteration is expected to result in loss of function by premature protein truncation or nonsense-mediated mRNA decay. As such, this alteration is interpreted as a disease-causing mutation.

Quest Diagnostics Nichols Institute San Juan Capistrano
Classification: Pathogenic. Last evaluated: 2023-06-15. Review status: criteria provided, single submitter. Criteria: Quest Diagnostics criteria. Collection method: clinical testing. Allele origin: unknown. Not counted in ClinVar's aggregate classification.
Comment: The BRCA2 c.9148C>T (p.Gln3050*) variant causes the premature termination of BRCA2 protein synthesis. This variant has been reported in the published literature in individuals with breast and/or ovarian cancer (PMIDs: 32438681 (2020), 33471991 (2021) see also LOVD) and pancreatic cancer (PMID: 29506128 (2018)). This variant has not been reported in large, multi-ethnic general populations (Genome Aggregation Database). Based on the available information, this variant is classified as pathogenic.

GeneDx
Classification: Pathogenic. Last evaluated: 2022-02-19. Review status: criteria provided, single submitter. Criteria: GeneDx Variant Classification Process June 2021. Collection method: clinical testing. Allele origin: germline. Affected: yes. Not counted in ClinVar's aggregate classification.
Comment: Nonsense variant predicted to result in protein truncation or nonsense mediated decay in a gene for which loss-of-function is a known mechanism of disease; Not observed at significant frequency in large population cohorts (gnomAD); Truncating variants in this gene are considered pathogenic by a well-established clinical consortium and/or database; Also known as 9376C>T; This variant is associated with the following publications: (PMID: 22632462, 29506128, 32438681)

Color Diagnostics, LLC DBA Color Health
Classification: Pathogenic for Hereditary cancer-predisposing syndrome. Last evaluated: 2020-02-25. Review status: criteria provided, single submitter. Criteria: ACMG Guidelines, 2015. Collection method: clinical testing. Allele origin: germline. Not counted in ClinVar's aggregate classification.
Comment: This variant changes 1 nucleotide in exon 24 of the BRCA2 gene, creating a premature translation stop signal. This variant is expected to result in an absent or non-functional protein product. This variant has been observed with a pathogenic CHEK2 covariant in an individual affected with pancreatic cancer with a family history of breast cancer (PMID: 29506128). This variant has not been identified in the general population by the Genome Aggregation Database (gnomAD). Loss of BRCA2 function is a known mechanism of disease. Based on the available evidence, this variant is classified as Pathogenic.

Consortium of Investigators of Modifiers of BRCA1/2 (CIMBA), c/o University of Cambridge
Classification: Pathogenic for Breast-ovarian cancer, familial, susceptibility to, 2. Last evaluated: 2015-10-02. Review status: criteria provided, single submitter. Criteria: CIMBA Mutation Classification guidelines May 2016. Collection method: clinical testing. Allele origin: germline. Not counted in ClinVar's aggregate classification.

Counsyl
Classification: Likely pathogenic for Breast-ovarian cancer, familial, susceptibility to, 2. Last evaluated: 2016-01-27. Review status: no assertion criteria provided. Collection method: clinical testing. Allele origin: unknown. Not counted in ClinVar's aggregate classification.

Sharing Clinical Reports Project (SCRP)
Classification: Pathogenic for Breast-ovarian cancer, familial 2. Last evaluated: 2010-06-03. Review status: no assertion criteria provided. Collection method: clinical testing. Allele origin: germline. Not counted in ClinVar's aggregate classification.

Breast Cancer Information Core (BIC) (BRCA2)
Classification: Pathogenic for Breast-ovarian cancer, familial 2. Last evaluated: 2000-07-07. Review status: no assertion criteria provided. Collection method: clinical testing. Allele origin: germline. Affected: yes. Observed: 1 variant allele. Not counted in ClinVar's aggregate classification.

Department of Pathology and Laboratory Medicine, Sinai Health System
Classification: Pathogenic for Breast-ovarian cancer, familial, susceptibility to, 2. Review status: no assertion criteria provided. Collection method: clinical testing. Allele origin: unknown. Affected: yes. Study: The Canadian Open Genetics Repository (COGR). Not counted in ClinVar's aggregate classification.
Comment: The BRCA2 p.Gln3050* variant was identified in 1 of 59400 proband chromosomes (frequency: 0.000016) in worldwide study of 29,700 families with BRCA1 or BRCA2 mutations (Rebbeck 2018). The variant was also identified in dbSNP (ID: rs80359170) as "With Pathogenic allele", ClinVar (classified as pathogenic by six submitters and likely pathogenic by one submitter), and LOVD 3.0 (2x as pathogenic). The variant was tested in comprehensive splicing functional analysis using bioinformatics analysis of putative splicing and showed minor splicing defects (Acedo 2012). The variant was not identified in UMD-LSDB. The variant was not identified in the following control databases: the Exome Aggregation Consortium (August 8th 2016), or the Genome Aggregation Database (Feb 27, 2017). The c.9148C>T variant leads to a premature stop codon at position 3050 which is predicted to lead to a truncated or absent protein and loss of function. Loss of function variants of the BRCA2 gene are an established mechanism of disease in BRCA2 associated cancers and is the type of variant expected to cause the disorder. In summary, based on the above information this variant meets our laboratoryâ€šÃ„Ã´s criteria to be classified as pathogenic.

Literature cited by the submitters: PubMed 20104584 (cited by Labcorp Genetics (formerly Invitae), Labcorp); PubMed 33461583 (cited by Women's Health and Genetics/Laboratory Corporation of America, LabCorp and Variantyx, Inc.); PubMed 29506128 (cited by Variantyx, Inc. and Quest Diagnostics Nichols Institute San Juan Capistrano); PubMed 28873162 (cited by Variantyx, Inc.); PubMed 32438681 (cited by Variantyx, Inc. and Quest Diagnostics Nichols Institute San Juan Capistrano); PubMed 22632462 (cited by Quest Diagnostics Nichols Institute San Juan Capistrano and Counsyl); PubMed 33471991 (cited by Quest Diagnostics Nichols Institute San Juan Capistrano); PubMed 31825140 (cited by Quest Diagnostics Nichols Institute San Juan Capistrano).

NM_000059.4(BRCA2):c.9148C>T (p.Gln3050Ter)

Gene: BRCA2 (BRCA2 DNA repair associated; plus strand). Cytogenetic location: 13q13.1.
Variant type: single nucleotide variant.
Coding change: c.9148C>T on transcript NM_000059.4 (MANE Select); coding-DNA position 9148, C replaced by T.
Protein change: p.Gln3050Ter; replaces glutamine 3050 with a stop codon.
Molecular consequence: nonsense.
Genome position (GRCh38, 1-based): chr13:32,380,037, C>T. VCF-style: chr13-32380037-C-T. GRCh37 (hg19) VCF-style: chr13-32954174-C-T.
Other names: 9376C>T; short protein forms Q3050*.
Identifiers: ClinVar variation 52762 (VCV000052762.29), dbSNP rs80359170, ClinGen allele CA026004.
Genomic context (GRCh38, chr13:32,380,037, plus strand): 5'-TATGTTGAATTTTTGTTTTGTTTTCTGTAGGTTTCAGATGAAATTTTATTTCAGATTTAC[C>T]AGCCACGGGAGCCCCTTCACTTCAGCAAATTTTTAGATCCAGACTTTCAGCCATCTTGTT-3'